The following is an entry in ClinVar:

ClinVar aggregate classification (germline): Uncertain significance (1 of 4 stars; one submission).

Conditions:
Neuropathy, hereditary sensory and autonomic, type 1A (HSAN1A). Also called: HSAN IA; HSN IA; NEUROPATHY, HEREDITARY SENSORY RADICULAR, AUTOSOMAL DOMINANT, TYPE 1A; NEUROPATHY, HEREDITARY SENSORY AND AUTONOMIC, TYPE IA; SPTLC1-Related Hereditary Sensory Neuropathy. Identifiers: MedGen C5235211, MONDO:0008086, OMIM 162400.

Allele frequency attached by ClinVar (database versions not stated): gnomAD exomes below 0.00001.
gnomAD v4.1: 1 of 1,614,146 alleles (0.000062%); highest among the groups gnomAD compares: Non-Finnish European, 0.000085%; no homozygotes.

Submission:

Institute of Human Genetics, University of Leipzig Medical Center
Classification: Uncertain significance for Neuropathy, hereditary sensory and autonomic, type 1A. Last evaluated: 2023-08-21. Review status: criteria provided, single submitter. Criteria: ACMG Guidelines, 2015. Collection method: clinical testing. Allele origin: unknown. Inheritance: Autosomal dominant inheritance. Affected: yes.
Comment: Criteria applied: PM2_SUP,PP3

NM_006415.4(SPTLC1):c.508A>G (p.Thr170Ala)

Gene: SPTLC1 (serine palmitoyltransferase long chain base subunit 1; minus strand). Cytogenetic location: 9q22.31.
Variant type: single nucleotide variant.
Coding change: c.508A>G on transcript NM_006415.4 (MANE Select); coding-DNA position 508, A replaced by G.
Protein change: p.Thr170Ala; replaces threonine 170 with alanine.
Molecular consequence: missense variant.
Genome position (GRCh38, 1-based): chr9:92,068,018, T>C on the plus strand (A>G on the coding strand, the complement: SPTLC1 is on the minus strand). VCF-style: chr9-92068018-T-C. GRCh37 (hg19) VCF-style: chr9-94830300-T-C.
Other names: c.43A>G, p.Thr15Ala (NM_001368273.1); c.508A>G, p.Thr170Ala (NM_001281303.2); c.142A>G, p.Thr48Ala (NM_001368272.1); short protein forms T15A, T170A, T48A.
Identifiers: ClinVar variation 2578443 (VCV002578443.2), dbSNP rs2538446166, ClinGen allele CA373798600.